The following is an entry in ClinVar:

ClinVar aggregate classification (germline): Likely benign (1 of 4 stars; one submission).

Conditions:
Hereditary spherocytosis type 1. Also called: Spherocytosis type 1; ANK1-Related Spherocytosis. Identifiers: Orphanet 822, MedGen C2674218, MONDO:0008447, OMIM 182900.

Allele frequency attached by ClinVar (database versions not stated): gnomAD 0.00061 and 0.00090; TOPMed 0.00109; 1000 Genomes Project 30x 0.00265; 1000 Genomes Project 0.00319.

Submission:

Illumina Laboratory Services, Illumina
Classification: Likely benign for Hereditary spherocytosis type 1. Last evaluated: 2017-04-27. Review status: criteria provided, single submitter. Criteria: ICSL Variant Classification Criteria 13 December 2019. Collection method: clinical testing. Allele origin: germline.
Comment: This variant was observed as part of a predisposition screen in an ostensibly healthy population. A literature search was performed for the gene, cDNA change, and amino acid change (where applicable). No publications were found based on this search. Allele frequency data from public databases allowed determination this variant is unlikely to cause disease. Therefore, this variant is classified as likely benign.

NM_000037.4(ANK1):c.*1667T>A

Gene: ANK1 (ankyrin 1; minus strand). Cytogenetic location: 8p11.21.
Variant type: single nucleotide variant.
Coding change: c.*1667T>A on transcript NM_000037.4 (MANE Select); 1667 bases downstream of the stop codon, T replaced by A.
Molecular consequence: 3 prime UTR variant.
Genome position (GRCh38, 1-based): chr8:41,654,123, A>T on the plus strand (T>A on the coding strand, the complement: ANK1 is on the minus strand). VCF-style: chr8-41654123-A-T. GRCh37 (hg19) VCF-style: chr8-41511642-A-T.
Other names: c.*1604T>A (NM_001142445.2, NM_001142446.2, NM_020475.3 and 3 more transcripts); c.*1667T>A (NM_020478.5).
Identifiers: ClinVar variation 362960 (VCV000362960.5), dbSNP rs3802314, ClinGen allele CA10625404.